The following is an entry in ClinVar:

ClinVar aggregate classification (germline): Uncertain significance (1 of 4 stars; one submission).

Conditions:
Hereditary cancer-predisposing syndrome. Also called: Neoplastic Syndromes, Hereditary; Tumor predisposition; Hereditary Cancer Syndrome; Hereditary neoplastic syndrome. Identifiers: Orphanet 140162, MedGen C0027672, MeSH D009386, MONDO:0015356.

Submission:

Color Diagnostics, LLC DBA Color Health
Classification: Uncertain significance for Hereditary cancer-predisposing syndrome. Last evaluated: 2024-06-25. Review status: criteria provided, single submitter. Criteria: ACMG Guidelines, 2015. Collection method: clinical testing. Allele origin: germline.
Comment: This variant causes a T to A nucleotide substitution at the +26 position of intron 1 of the PMS2 gene. To our knowledge, functional studies have not been reported for this variant. This variant has not been reported in individuals affected with PMS2-related disorders in the literature. This variant has not been identified in the general population by the Genome Aggregation Database (gnomAD). The available evidence is insufficient to determine the role of this variant in disease conclusively. Therefore, this variant is classified as a Variant of Uncertain Significance.

NM_000535.7(PMS2):c.23+26T>A

Gene: PMS2 (PMS1 homolog 2, mismatch repair system component; minus strand). Cytogenetic location: 7p22.1.
Variant type: single nucleotide variant.
Coding change: c.23+26T>A on transcript NM_000535.7 (MANE Select); 26 bases into the intron after coding-DNA position 23, T replaced by A.
Molecular consequence: intron variant. On other transcripts: 5 prime UTR variant (8).
Genome position (GRCh38, 1-based): chr7:6,008,971, A>T on the plus strand (T>A on the coding strand, the complement: PMS2 is on the minus strand). VCF-style: chr7-6008971-A-T. GRCh37 (hg19) VCF-style: chr7-6048602-A-T.
Other names: c.-547T>A (NM_001322005.2); c.-542T>A (NM_001322009.2, NM_001406897.1); c.-626T>A (NM_001406875.1, NM_001406882.1); c.-793T>A (NM_001406877.1); c.-494T>A (NM_001406894.1); c.-529T>A (NM_001406898.1); c.-53+26T>A (NM_001322008.2); c.-219+26T>A (NM_001406881.1); and 19 more.
Identifiers: ClinVar variation 3893963 (VCV003893963.1).